The following is an entry in ClinVar:

ClinVar aggregate classification (germline): Uncertain significance (1 of 4 stars; one submission).

Conditions:
Inborn genetic diseases. Identifiers: MedGen C0950123, MeSH D030342.

Submission:

Ambry Genetics
Classification: Uncertain significance for Inborn genetic diseases. Last evaluated: 2025-04-17. Review status: criteria provided, single submitter. Criteria: Ambry Variant Classification Scheme 2023. Collection method: clinical testing. Allele origin: germline.
Comment: The c.2072G>A (p.R691H) alteration is located in exon 19 (coding exon 19) of the PHIP gene. This alteration results from a G to A substitution at nucleotide position 2072, causing the arginine (R) at amino acid position 691 to be replaced by a histidine (H). This variant was not reported in population-based cohorts in the Genome Aggregation Database (gnomAD). This amino acid position is highly conserved in available vertebrate species. The in silico prediction for this alteration is inconclusive. Based on insufficient or conflicting evidence, the clinical significance of this alteration remains unclear.

NM_017934.7(PHIP):c.2072G>A (p.Arg691His)

Gene: PHIP (PHIP subunit of CUL4-Ring ligase complex; minus strand). Cytogenetic location: 6q14.1.
Variant type: single nucleotide variant.
Coding change: c.2072G>A on transcript NM_017934.7 (MANE Select); coding-DNA position 2072, G replaced by A.
Protein change: p.Arg691His; replaces arginine 691 with histidine.
Molecular consequence: missense variant.
Genome position (GRCh38, 1-based): chr6:78,997,543, C>T on the plus strand (G>A on the coding strand, the complement: PHIP is on the minus strand). VCF-style: chr6-78997543-C-T. GRCh37 (hg19) VCF-style: chr6-79707260-C-T.
Other names: short protein forms R691H.
Identifiers: ClinVar variation 3888338 (VCV003888338.2).